The following is an entry in ClinVar:

NM_138927.4(SON):c.2425A>C (p.Ser809Arg)

Gene: SON (SON DNA and RNA binding protein; plus strand). Cytogenetic location: 21q22.11.
Variant type: single nucleotide variant.
Coding change: c.2425A>C on transcript NM_138927.4 (MANE Select); coding-DNA position 2425, A replaced by C.
Protein change: p.Ser809Arg; replaces serine 809 with arginine.
Molecular consequence: missense variant. On other transcripts: non-coding transcript variant (1), intron variant (1).
Genome position (GRCh38, 1-based): chr21:33,551,656, A>C. VCF-style: chr21-33551656-A-C. GRCh37 (hg19) VCF-style: chr21-34923962-A-C.
Other names: c.2425A>C, p.Ser809Arg (NM_001291411.2, NM_032195.3); c.244+5277A>C (NM_001291412.3); short protein forms S809R.
Identifiers: ClinVar variation 3684843 (VCV003684843.2).

ClinVar aggregate classification (germline): Uncertain significance (1 of 4 stars; one submission).

gnomAD v4.1: 7 of 1,612,152 alleles (0.00043%); highest among the groups gnomAD compares: South Asian, 0.0077%; no homozygotes.

Submission:

Labcorp Genetics (formerly Invitae), Labcorp
Classification: Uncertain significance. Last evaluated: 2024-06-13. Review status: criteria provided, single submitter. Criteria: Invitae Variant Classification Sherloc (09022015). Collection method: clinical testing. Allele origin: germline.
Comment: This sequence change replaces serine, which is neutral and polar, with arginine, which is basic and polar, at codon 809 of the SON protein (p.Ser809Arg). This variant is not present in population databases (gnomAD no frequency). This variant has not been reported in the literature in individuals affected with SON-related conditions. An algorithm developed to predict the effect of missense changes on protein structure and function (PolyPhen-2) suggests that this variant is likely to be disruptive. In summary, the available evidence is currently insufficient to determine the role of this variant in disease. Therefore, it has been classified as a Variant of Uncertain Significance.